The following is an entry in ClinVar:

ClinVar aggregate classification (germline): Uncertain significance. Review status: criteria provided, multiple submitters, no conflicts (2 of 4 stars). 2 submissions from 2 submitters: Uncertain significance (2). Last evaluated 2025-02-17.

Allele frequency attached by ClinVar (database versions not stated): TOPMed 0.00005; gnomAD 0.00006; gnomAD exomes 0.00006; ExAC 0.00008; ESP Exome Variant Server 0.00023.
gnomAD v4.1: 107 of 1,613,804 alleles (0.0066%); highest among the groups gnomAD compares: Middle Eastern, 0.016%; no homozygotes.

Submissions (2):

Labcorp Genetics (formerly Invitae), Labcorp
Classification: Uncertain significance. Last evaluated: 2025-02-17. Review status: criteria provided, single submitter. Criteria: Invitae Variant Classification Sherloc (09022015). Collection method: clinical testing. Allele origin: germline.
Comment: This sequence change replaces arginine, which is basic and polar, with histidine, which is basic and polar, at codon 479 of the PCK2 protein (p.Arg479His). This variant is present in population databases (rs148839304, gnomAD 0.03%). This variant has not been reported in the literature in individuals affected with PCK2-related conditions. ClinVar contains an entry for this variant (Variation ID: 2084024). Invitae Evidence Modeling of protein sequence and biophysical properties (such as structural, functional, and spatial information, amino acid conservation, physicochemical variation, residue mobility, and thermodynamic stability) indicates that this missense variant is expected to disrupt PCK2 protein function with a positive predictive value of 80%. In summary, the available evidence is currently insufficient to determine the role of this variant in disease. Therefore, it has been classified as a Variant of Uncertain Significance.

Ambry Genetics
Classification: Uncertain significance. Last evaluated: 2024-10-08. Review status: criteria provided, single submitter. Criteria: Ambry Variant Classification Scheme 2023. Collection method: clinical testing. Allele origin: germline.

NM_004563.4(PCK2):c.1436G>A (p.Arg479His)

Genes: NRL (neural retina leucine zipper; minus strand), PCK2 (phosphoenolpyruvate carboxykinase 2, mitochondrial; plus strand). Cytogenetic location: 14q12.
Variant type: single nucleotide variant.
Coding change: c.1436G>A on transcript NM_004563.4 (MANE Select); coding-DNA position 1436, G replaced by A.
Protein change: p.Arg479His; replaces arginine 479 with histidine.
Molecular consequence: missense variant. On other transcripts: intron variant (3).
Genome position (GRCh38, 1-based): chr14:24,103,223, G>A. VCF-style: chr14-24103223-G-A. GRCh37 (hg19) VCF-style: chr14-24572432-G-A.
Other names: c.1034G>A, p.Arg345His (NM_001291556.2, NM_001308054.2); c.-28+11499C>T (NM_001354768.3, NM_001354770.2); c.-254+11499C>T (NM_006177.5); short protein forms R345H, R479H.
Identifiers: ClinVar variation 2084024 (VCV002084024.6), dbSNP rs148839304, ClinGen allele CA7123493.